The following is an entry in ClinVar:

NM_005461.5(MAFB):c.460G>A (p.Glu154Lys)

Gene: MAFB (MAF bZIP transcription factor B; minus strand). Cytogenetic location: 20q12.
Variant type: single nucleotide variant.
Coding change: c.460G>A on transcript NM_005461.5 (MANE Select); coding-DNA position 460, G replaced by A.
Protein change: p.Glu154Lys; replaces glutamic acid 154 with lysine.
Molecular consequence: missense variant.
Genome position (GRCh38, 1-based): chr20:40,688,391, C>T on the plus strand (G>A on the coding strand, the complement: MAFB is on the minus strand). VCF-style: chr20-40688391-C-T. GRCh37 (hg19) VCF-style: chr20-39317031-C-T.
Other names: short protein forms E154K.
Identifiers: ClinVar variation 3681231 (VCV003681231.2).

ClinVar aggregate classification (germline): Uncertain significance (1 of 4 stars; one submission).

Submission:

Labcorp Genetics (formerly Invitae), Labcorp
Classification: Uncertain significance. Last evaluated: 2024-09-20. Review status: criteria provided, single submitter. Criteria: Invitae Variant Classification Sherloc (09022015). Collection method: clinical testing. Allele origin: germline.
Comment: This sequence change replaces glutamic acid, which is acidic and polar, with lysine, which is basic and polar, at codon 154 of the MAFB protein (p.Glu154Lys). This variant is not present in population databases (gnomAD no frequency). This variant has not been reported in the literature in individuals affected with MAFB-related conditions. Invitae Evidence Modeling of protein sequence and biophysical properties (such as structural, functional, and spatial information, amino acid conservation, physicochemical variation, residue mobility, and thermodynamic stability) indicates that this missense variant is not expected to disrupt MAFB protein function with a negative predictive value of 80%. In summary, the available evidence is currently insufficient to determine the role of this variant in disease. Therefore, it has been classified as a Variant of Uncertain Significance.